The following is an entry in ClinVar:

NM_002519.3(NPAT):c.1235A>G (p.Asp412Gly)

Gene: NPAT (nuclear protein, coactivator of histone transcription; minus strand). Cytogenetic location: 11q22.3.
Variant type: single nucleotide variant.
Coding change: c.1235A>G on transcript NM_002519.3 (MANE Select); coding-DNA position 1235, A replaced by G.
Protein change: p.Asp412Gly; replaces aspartic acid 412 with glycine.
Molecular consequence: missense variant.
Genome position (GRCh38, 1-based): chr11:108,173,749, T>C on the plus strand (A>G on the coding strand, the complement: NPAT is on the minus strand). VCF-style: chr11-108173749-T-C. GRCh37 (hg19) VCF-style: chr11-108044476-T-C.
Other names: c.1235A>G, p.Asp412Gly (NM_001321307.1); short protein forms D412G.
Identifiers: ClinVar variation 2568028 (VCV002568028.2), dbSNP rs1003376449, ClinGen allele CA228385249.

ClinVar aggregate classification (germline): Uncertain significance (1 of 4 stars; one submission).

Allele frequency attached by ClinVar (database versions not stated): TOPMed below 0.00001; gnomAD 0.00001; gnomAD exomes 0.00001.
gnomAD v4.1: 7 of 1,614,034 alleles (0.00043%); highest among the groups gnomAD compares: Non-Finnish European, 0.00059%; no homozygotes.

Submission:

Ambry Genetics
Classification: Uncertain significance. Last evaluated: 2023-06-07. Review status: criteria provided, single submitter. Criteria: Ambry Variant Classification Scheme 2023. Collection method: clinical testing. Allele origin: germline.
Comment: The p.D412G variant (also known as c.1235A>G), located in coding exon 13 of the NPAT gene, results from an A to G substitution at nucleotide position 1235. The aspartic acid at codon 412 is replaced by glycine, an amino acid with similar properties. This amino acid position is conserved. In addition, this alteration is predicted to be tolerated by in silico analysis. Since supporting evidence is limited at this time, the clinical significance of this alteration remains unclear.